The following is an entry in ClinVar:

NM_152564.5(VPS13B):c.4539_4540del (p.Leu1514fs)

Gene: VPS13B (vacuolar protein sorting 13 homolog B; plus strand). Cytogenetic location: 8q22.2.
Variant type: Microsatellite.
Coding change: c.4539_4540del on transcript NM_152564.5 (MANE Select); coding-DNA positions 4539 to 4540, 2 bases deleted (AC; older notation c.4539_4540delAC).
Protein change: p.Leu1514fs; shifts the reading frame from leucine 1514.
Molecular consequence: frameshift variant.
Genome position (GRCh38, 1-based): chr8:99,511,418-99,511,419, AC deleted; deleting any 2 consecutive bases within chr8:99,511,416-99,511,419 gives the same sequence; the c. name uses the placement nearest the transcript's 3' end. VCF-style (leftmost placement, unchanged base first): chr8-99511415-TAC-T. GRCh37 (hg19) VCF-style: chr8-100523643-TAC-T.
Other names: c.4614_4615del, p.Leu1539fs (NM_017890.5); c.4614_4615delAC (NM_017890.4); short protein forms L1514fs, L1539fs.
Identifiers: ClinVar variation 554996 (VCV000554996.5), dbSNP rs1554826566, ClinGen allele CA658821876.

ClinVar aggregate classification (germline): Pathogenic. Review status: criteria provided, single submitter (1 of 4 stars). 2 submissions from 2 submitters: Pathogenic (1). 1 of the submissions does not count toward it. Last evaluated 2024-01-22.

Conditions:
Cohen syndrome (COH1). Also called: Cutis verticis gyrata, retinitis pigmentosa, and sensorineural deafness; PEPPER SYNDROME. Identifiers: Orphanet 193, MedGen C0265223, MONDO:0008999, OMIM 216550.

Submissions (2):

Labcorp Genetics (formerly Invitae), Labcorp
Classification: Pathogenic for Cohen syndrome. Last evaluated: 2024-01-22. Review status: criteria provided, single submitter. Criteria: Invitae Variant Classification Sherloc (09022015). Collection method: clinical testing. Allele origin: germline.
Comment: This sequence change creates a premature translational stop signal (p.Leu1539Aspfs*30) in the VPS13B gene. It is expected to result in an absent or disrupted protein product. Loss-of-function variants in VPS13B are known to be pathogenic (PMID: 15141358, 16648375, 20461111). This variant is not present in population databases (gnomAD no frequency). This variant has not been reported in the literature in individuals affected with VPS13B-related conditions. ClinVar contains an entry for this variant (Variation ID: 554996). For these reasons, this variant has been classified as Pathogenic.

Counsyl
Classification: Likely pathogenic for Cohen syndrome. Last evaluated: 2017-11-10. Review status: no assertion criteria provided. Collection method: clinical testing. Allele origin: unknown. Not counted in ClinVar's aggregate classification.

Literature cited by the submitters: PubMed 15141358 (cited by Labcorp Genetics (formerly Invitae), Labcorp); PubMed 16648375 (cited by Labcorp Genetics (formerly Invitae), Labcorp); PubMed 20461111 (cited by Labcorp Genetics (formerly Invitae), Labcorp).